The following is an entry in ClinVar:

NM_174916.3(UBR1):c.2585-4A>G

Gene: UBR1 (ubiquitin protein ligase E3 component n-recognin 1; minus strand). Cytogenetic location: 15q15.2.
Variant type: single nucleotide variant.
Coding change: c.2585-4A>G on transcript NM_174916.3 (MANE Select); 4 bases into the intron before coding-DNA position 2585, A replaced by G.
Molecular consequence: intron variant.
Genome position (GRCh38, 1-based): chr15:43,024,987, T>C on the plus strand (A>G on the coding strand, the complement: UBR1 is on the minus strand). VCF-style: chr15-43024987-T-C. GRCh37 (hg19) VCF-style: chr15-43317185-T-C.
Identifiers: ClinVar variation 714595 (VCV000714595.13), dbSNP rs200684905, ClinGen allele CA7518408.

ClinVar aggregate classification (germline): Benign/Likely benign. Review status: criteria provided, multiple submitters, no conflicts (2 of 4 stars). 4 submissions from 4 submitters: Benign (1); Likely benign (2). 1 of the submissions does not count toward it. Last evaluated 2026-02-01.

Conditions:
UBR1-related disorder. Also called: UBR1-related condition.

Allele frequency attached by ClinVar (database versions not stated): gnomAD exomes 0.00008 and 0.00029; ExAC 0.00039; TOPMed 0.00091; ESP Exome Variant Server 0.00092; gnomAD 0.00094 and 0.00101; 1000 Genomes Project 0.00200; 1000 Genomes Project 30x 0.00234.
gnomAD v4.1: 265 of 1,613,950 alleles (0.016%); highest among the groups gnomAD compares: African/African-American, 0.3%; 1 homozygote.

Submissions (4):

Labcorp Genetics (formerly Invitae), Labcorp
Classification: Benign. Last evaluated: 2026-02-01. Review status: criteria provided, single submitter. Criteria: Invitae Variant Classification Sherloc (09022015). Collection method: clinical testing. Allele origin: germline.

Blueprint Genetics
Classification: Likely benign. Last evaluated: 2024-03-11. Review status: criteria provided, single submitter. Criteria: ACMG Guidelines, 2015. Collection method: clinical testing. Allele origin: germline.

Breakthrough Genomics
Classification: Likely benign. Review status: criteria provided, single submitter. Criteria: ACMG Guidelines, 2015. Collection method: not provided. Allele origin: germline. Inheritance: Autosomal recessive inheritance. Affected: yes.

PreventionGenetics, part of Exact Sciences
Classification: Likely benign for UBR1-related condition. Last evaluated: 2019-10-14. Review status: no assertion criteria provided. Collection method: clinical testing. Allele origin: germline. Not counted in ClinVar's aggregate classification.
Comment: This variant is classified as likely benign based on ACMG/AMP sequence variant interpretation guidelines (Richards et al. 2015 PMID: 25741868, with internal and published modifications).